The following is an entry in ClinVar:

ClinVar aggregate classification (germline): Conflicting classifications of pathogenicity. Review status: criteria provided, conflicting classifications (1 of 4 stars). 11 submissions from 11 submitters: Uncertain significance (1); Benign (2); Likely benign (6). 2 of the submissions do not count toward it. Last evaluated 2026-01-04.

Conditions:
TTN-related disorder. Also called: TTN-related condition; TTN-related disease; TTN-related disorders.
Cardiovascular phenotype. Identifiers: MedGen CN230736.
Dilated cardiomyopathy 1G (CMD1G). Identifiers: Orphanet 154, MedGen C1858763, MONDO:0011400, OMIM 604145.
Autosomal recessive limb-girdle muscular dystrophy type 2J (LGMDR10). Also called: Limb-girdle muscular dystrophy, type 2J; MUSCULAR DYSTROPHY, LIMB-GIRDLE, AUTOSOMAL RECESSIVE 10. Identifiers: Orphanet 140922, MedGen C1837342, MONDO:0012127, OMIM 608807.
Cardiomyopathy (CMYO). Also called: Cardiomyopathies. Identifiers: Orphanet 167848, MedGen C0878544, MONDO:0004994, HP:0001638. Inheritance: Various modes of inheritance.

Allele frequency attached by ClinVar (database versions not stated): gnomAD exomes 0.00002 and 0.00004; ExAC 0.00007; ESP Exome Variant Server 0.00008; gnomAD 0.00030; TOPMed 0.00030; 1000 Genomes Project 0.00040; 1000 Genomes Project 30x 0.00062.
gnomAD v4.1: 75 of 1,611,714 alleles (0.0047%); highest among the groups gnomAD compares: African/African-American, 0.097%; no homozygotes.

Submissions (11):

Labcorp Genetics (formerly Invitae), Labcorp
Classification: Likely benign for Dilated cardiomyopathy 1G; Autosomal recessive limb-girdle muscular dystrophy type 2J. Last evaluated: 2026-01-04. Review status: criteria provided, single submitter. Criteria: Invitae Variant Classification Sherloc (09022015). Collection method: clinical testing. Allele origin: germline.

Molecular Diagnostic Laboratory for Inherited Cardiovascular Disease, Montreal Heart Institute
Classification: Benign. Last evaluated: 2025-04-09. Review status: criteria provided, single submitter. Criteria: ACMG Guidelines, 2015. Collection method: clinical testing. Allele origin: germline. Affected: no.

PreventionGenetics, part of Exact Sciences
Classification: Likely benign for TTN-related condition. Last evaluated: 2025-03-20. Review status: criteria provided, single submitter. Criteria: ACMG Guidelines, 2015. Collection method: clinical testing. Allele origin: germline.
Comment: This variant is classified as likely benign based on ACMG/AMP sequence variant interpretation guidelines (Richards et al. 2015 PMID: 25741868, with internal and published modifications).

Blueprint Genetics
Classification: Likely benign. Last evaluated: 2023-08-01. Review status: criteria provided, single submitter. Criteria: ACMG Guidelines, 2015. Collection method: clinical testing. Allele origin: germline.

CHEO Genetics Diagnostic Laboratory, Children's Hospital of Eastern Ontario
Classification: Likely benign for Cardiomyopathy. Last evaluated: 2020-09-11. Review status: criteria provided, single submitter. Criteria: ACMG Guidelines, 2015. Collection method: clinical testing. Allele origin: germline.

GeneDx
Classification: Benign. Last evaluated: 2017-05-01. Review status: criteria provided, single submitter. Criteria: GeneDx Variant Classification (06012015). Collection method: clinical testing. Allele origin: germline. Affected: yes.
Comment: This variant is considered likely benign or benign based on one or more of the following criteria: it is a conservative change, it occurs at a poorly conserved position in the protein, it is predicted to be benign by multiple in silico algorithms, and/or has population frequency not consistent with disease.

Ambry Genetics
Classification: Likely benign for Cardiovascular phenotype. Last evaluated: 2016-07-08. Review status: criteria provided, single submitter. Criteria: Ambry Variant Classification Scheme 2023. Collection method: clinical testing. Allele origin: germline.

Eurofins Ntd Llc (ga)
Classification: Uncertain significance. Last evaluated: 2015-09-15. Review status: criteria provided, single submitter. Criteria: EGL Classification Definitions 2015. Collection method: clinical testing. Allele origin: germline. Observed: 2 variant alleles, 2 heterozygotes.

Laboratory for Molecular Medicine, Mass General Brigham Personalized Medicine
Classification: Likely benign. Last evaluated: 2012-03-19. Review status: criteria provided, single submitter. Criteria: LMM Criteria. Collection method: clinical testing. Allele origin: germline. Observed: 1 variant allele.
Comment: p.Pro15501Pro in Exon 230 of TTN: This variant is not expected to have clinical significance because it does not alter an amino acid residue, is not located wit hin the splice consensus sequence. It has been identified in 1/3094 African Amer ican chromosomes from a broad population by the NHLBI Exome Sequencing Project.

Clinical Genetics DNA and cytogenetics Diagnostics Lab, Erasmus MC, Erasmus Medical Center
Classification: Likely benign. Review status: no assertion criteria provided. Collection method: clinical testing. Allele origin: germline. Affected: yes. Study: VKGL Data-share Consensus. Not counted in ClinVar's aggregate classification.

Clinical Genetics, Academic Medical Center
Classification: Benign. Review status: no assertion criteria provided. Collection method: clinical testing. Allele origin: germline. Affected: yes. Study: VKGL Data-share Consensus. Not counted in ClinVar's aggregate classification.

NM_001267550.2(TTN):c.54207A>G (p.Pro18069=)

Genes: TTN-AS1 (TTN antisense RNA 1; plus strand), TTN (titin; minus strand). Cytogenetic location: 2q31.2.
Variant type: single nucleotide variant.
Coding change: c.54207A>G on transcript NM_001267550.2 (MANE Select); coding-DNA position 54207, A replaced by G.
Protein change: p.Pro18069=; no amino-acid change (proline 18069 retained).
Molecular consequence: synonymous variant. On other transcripts: non-coding transcript variant (1).
Genome position (GRCh38, 1-based): chr2:178,604,882, T>C on the plus strand (A>G on the coding strand, the complement: TTN is on the minus strand). VCF-style: chr2-178604882-T-C. GRCh37 (hg19) VCF-style: chr2-179469609-T-C.
Other names: c.27387A>G, p.Pro9129= (NM_133432.3); c.27588A>G, p.Pro9196= (NM_133437.4); c.49284A>G, p.Pro16428= (NM_001256850.1); c.27012A>G, p.Pro9004= (NM_003319.4); c.46503A>G, p.Pro15501= (NM_133378.4).
Identifiers: ClinVar variation 165976 (VCV000165976.30), dbSNP rs372686070, ClinGen allele CA178730.